The following is an entry in ClinVar:

ClinVar aggregate classification (germline): Benign (0 of 4 stars; one submission).

Conditions:
SIRT3-related disorder. Also called: SIRT3-related condition.

Allele frequency attached by ClinVar (database versions not stated): gnomAD exomes 0.00084; ExAC 0.00266; gnomAD 0.00889; 1000 Genomes Project 30x 0.00921; 1000 Genomes Project 0.00938; ESP Exome Variant Server 0.00946; TOPMed 0.00997.
gnomAD v4.1: 2,623 of 1,614,118 alleles (0.16%); highest among the groups gnomAD compares: African/African-American, 3%; 42 homozygotes.

Submission:

PreventionGenetics, part of Exact Sciences
Classification: Benign for SIRT3-related condition. Last evaluated: 2019-03-26. Review status: no assertion criteria provided. Collection method: clinical testing. Allele origin: germline.
Comment: This variant is classified as benign based on ACMG/AMP sequence variant interpretation guidelines (Richards et al. 2015 PMID: 25741868, with internal and published modifications).

NM_012239.6(SIRT3):c.1104C>T (p.His368=)

Gene: SIRT3 (sirtuin 3; minus strand). Cytogenetic location: 11p15.5.
Variant type: single nucleotide variant.
Coding change: c.1104C>T on transcript NM_012239.6 (MANE Select); coding-DNA position 1104, C replaced by T.
Protein change: p.His368=; no amino-acid change (histidine 368 retained).
Molecular consequence: synonymous variant. On other transcripts: non-coding transcript variant (17), intron variant (2).
Genome position (GRCh38, 1-based): chr11:218,907, G>A on the plus strand (C>T on the coding strand, the complement: SIRT3 is on the minus strand). VCF-style: chr11-218907-G-A. GRCh37 (hg19) VCF-style: chr11-218907-G-A.
Other names: c.678C>T, p.His226= (NM_001017524.3, NM_001370318.1, NM_001370319.1 and 4 more transcripts); c.1104C>T, p.His368= (NM_001370310.1); c.912C>T, p.His304= (NM_001370312.1); c.942C>T, p.His314= (NM_001370314.1); c.861C>T, p.His287= (NM_001370315.1); c.432C>T, p.His144= (NM_001370316.1); c.288C>T, p.His96= (NM_001370317.1); c.544-2189C>T (NM_001370324.1, NM_001370325.1).
Identifiers: ClinVar variation 3056505 (VCV003056505.2), dbSNP rs74477499, ClinGen allele CA5770898.